The following is an entry in ClinVar:

NM_024577.4(SH3TC2):c.*17036C>G

Gene: SH3TC2 (SH3 domain and tetratricopeptide repeats 2; minus strand). Cytogenetic location: 5q32.
Variant type: single nucleotide variant.
Coding change: c.*17036C>G on transcript NM_024577.4 (MANE Select); 17036 bases downstream of the stop codon, C replaced by G.
Molecular consequence: 3 prime UTR variant.
Genome position (GRCh38, 1-based): chr5:148,987,675, G>C on the plus strand (C>G on the coding strand, the complement: SH3TC2 is on the minus strand). VCF-style: chr5-148987675-G-C. GRCh37 (hg19) VCF-style: chr5-148367238-G-C.
Identifiers: ClinVar variation 351621 (VCV000351621.5), dbSNP rs75086059, ClinGen allele CA10623126.

ClinVar aggregate classification (germline): Benign. Review status: criteria provided, single submitter (1 of 4 stars). 2 submissions from 1 submitter: Benign (2). Last evaluated 2018-01-13.

Conditions:
Susceptibility to mononeuropathy of the median nerve, mild. Also called: CARPAL TUNNEL SYNDROME, SUSCEPTIBILITY TO. Identifiers: MedGen C3150596, MONDO:0013237, OMIM 613353.
Charcot-Marie-Tooth disease type 4C (CMT4C). Also called: CHARCOT-MARIE-TOOTH DISEASE, DEMYELINATING, AUTOSOMAL RECESSIVE, TYPE 4C; CMT 4C; Charcot-Marie-Tooth Neuropathy Type 4C (CMT4C); CHARCOT-MARIE-TOOTH DISEASE, DEMYELINATING, TYPE 4C; SH3TC2-Related Hereditary Motor and Sensory Neuropathy. Identifiers: Orphanet 99949, MedGen C1866636, MONDO:0011113, OMIM 601596.

Allele frequency attached by ClinVar (database versions not stated): TOPMed 0.15360; 1000 Genomes Project 30x 0.15865; 1000 Genomes Project 0.16134.
gnomAD v4.1: 25,499 of 152,128 alleles (17%); highest among the groups gnomAD compares: East Asian, 24%; 2,481 homozygotes.

Submissions (2):

Illumina Laboratory Services, Illumina
Classification: Benign for Susceptibility to mononeuropathy of the median nerve, mild. Last evaluated: 2018-01-13. Review status: criteria provided, single submitter. Criteria: ICSL Variant Classification Criteria 13 December 2019. Collection method: clinical testing. Allele origin: germline.
Comment: This variant was observed in the ICSL laboratory as part of a predisposition screen in an ostensibly healthy population. It had not been previously curated by ICSL or reported in the Human Gene Mutation Database (HGMD: prior to June 1st, 2018), and was therefore a candidate for classification through an automated scoring system. Utilizing variant allele frequency, disease prevalence and penetrance estimates, and inheritance mode, an automated score was calculated to assess if this variant is too frequent to cause the disease. Based on the score and internal cut-off values, a variant classified as benign is not then subjected to further curation. The score for this variant resulted in a classification of benign for this disease.

Illumina Laboratory Services, Illumina
Classification: Benign for Charcot-Marie-Tooth disease type 4C. Last evaluated: 2018-01-13. Review status: criteria provided, single submitter. Criteria: ICSL Variant Classification Criteria 13 December 2019. Collection method: clinical testing. Allele origin: germline.
Comment: the same text as in the submission from Illumina Laboratory Services, Illumina above.